The following is an entry in ClinVar:

ClinVar aggregate classification (germline): Uncertain significance (1 of 4 stars; one submission).

Submission:

Labcorp Genetics (formerly Invitae), Labcorp
Classification: Uncertain significance. Last evaluated: 2024-11-11. Review status: criteria provided, single submitter. Criteria: Invitae Variant Classification Sherloc (09022015). Collection method: clinical testing. Allele origin: germline.
Comment: This variant, c.322_333del, results in the deletion of 4 amino acid(s) of the FOXL2 protein (p.Leu108_Cys111del), but otherwise preserves the integrity of the reading frame. This variant is not present in population databases (gnomAD no frequency). This variant has been observed in individual(s) with FOXL2-related conditions (internal data). Experimental studies and prediction algorithms are not available or were not evaluated, and the functional significance of this variant is currently unknown. In summary, the available evidence is currently insufficient to determine the role of this variant in disease. Therefore, it has been classified as a Variant of Uncertain Significance.

NM_023067.4(FOXL2):c.322_333del (p.Leu108_Cys111del)

Gene: FOXL2 (forkhead box L2; minus strand). Cytogenetic location: 3q22.3.
Variant type: Deletion.
Coding change: c.322_333del on transcript NM_023067.4 (MANE Select); coding-DNA positions 322 to 333, 12 bases deleted (CTCAACGAGTGC).
Protein change: p.Leu108_Cys111del.
Genome position (GRCh38, 1-based): chr3:138,946,390-138,946,401, GCACTCGTTGAG deleted on the plus strand (CTCAACGAGTGC on the coding strand, the reverse complement: FOXL2 is on the minus strand); deleting any 12 consecutive bases within chr3:138,946,390-138,946,403 gives the same sequence; the c. name uses the placement nearest the transcript's 3' end. VCF-style (leftmost placement, unchanged base first): chr3-138946389-AGCACTCGTTGAG-A. GRCh37 (hg19) VCF-style: chr3-138665231-AGCACTCGTTGAG-A.
Identifiers: ClinVar variation 3724988 (VCV003724988.2).
Genomic context (GRCh38, chr3:138,946,389, plus strand): 5'-GGTCCAGCGTCCAGTAGTTGCCCTTGCGCTCGCCGCCGCCCTCGCGCGGCACCTTGATGA[AGCACTCGTTGAG>A]GCTGAGGTTGTGGCGGATGCTATTTTGCCAGCCCTTCTTATTCTTCTCGTAGAACGGGAA-3'